The following is an entry in ClinVar:

NM_000263.4(NAGLU):c.2208C>T (p.Pro736=)

Gene: NAGLU (N-acetyl-alpha-glucosaminidase; plus strand). Cytogenetic location: 17q21.2.
Variant type: single nucleotide variant.
Coding change: c.2208C>T on transcript NM_000263.4 (MANE Select); coding-DNA position 2208, C replaced by T.
Protein change: p.Pro736=; no amino-acid change (proline 736 retained).
Molecular consequence: synonymous variant.
Genome position (GRCh38, 1-based): chr17:42,544,214, C>T. VCF-style: chr17-42544214-C-T. GRCh37 (hg19) VCF-style: chr17-40696232-C-T.
Identifiers: ClinVar variation 4688838 (VCV004688838.1).
Genomic context (GRCh38, chr17:42,544,214, plus strand): 5'-CAGCCAGCCGCGAGGAGACACTGTGGACCTGGCCAAGAAGATCTTCCTCAAATATTACCC[C>T]CGCTGGGTGGCCGGCTCTTGGTGATAGATTCGCCACCACTGGGCCTTGTTTTCCGCTAAT-3'
Protein context (NP_000254.2, residues 726-743): LAKKIFLKYY[Pro736=]RWVAGSW

ClinVar aggregate classification (germline): Likely benign (1 of 4 stars; one submission).

gnomAD v4.1: 12 of 1,611,796 alleles (0.00074%); highest among the groups gnomAD compares: East Asian, 0.0045%; no homozygotes.

Submission:

Women's Health and Genetics/Laboratory Corporation of America, LabCorp
Classification: Likely benign. Last evaluated: 2025-12-24. Review status: criteria provided, single submitter. Criteria: LabCorp Variant Classification Summary - May 2015. Collection method: clinical testing. Allele origin: germline.
Comment: Variant summary: NAGLU c.2208C>T results in a synonymous change. Consensus agreement among computation tools predict no significant impact on normal splicing. However, these predictions have yet to be confirmed by functional studies. The variant allele was found at a frequency of 1.2e-05 in 248056 control chromosomes. The available data on variant occurrences in the general population are insufficient to allow any conclusion about variant significance. To our knowledge, no occurrence of c.2208C>T in individuals affected with NAGLU-related conditions and no experimental evidence demonstrating its impact on protein function have been reported. No submitters have cited clinical-significance assessments for this variant to ClinVar. Based on the evidence outlined above, the variant was classified as likely benign.